The following is an entry in ClinVar:

NM_001318895.3(FHL2):c.120C>T (p.Cys40=)

Gene: FHL2 (four and a half LIM domains 2; minus strand). Cytogenetic location: 2q12.2.
Variant type: single nucleotide variant.
Coding change: c.120C>T on transcript NM_001318895.3 (MANE Select); coding-DNA position 120, C replaced by T.
Protein change: p.Cys40=; no amino-acid change (cysteine 40 retained).
Molecular consequence: synonymous variant. On other transcripts: 5 prime UTR variant (3).
Genome position (GRCh38, 1-based): chr2:105,386,397, G>A on the plus strand (C>T on the coding strand, the complement: FHL2 is on the minus strand). VCF-style: chr2-105386397-G-A. GRCh37 (hg19) VCF-style: chr2-106002854-G-A.
Other names: c.120C>T, p.Cys40= (NM_001039492.3, NM_001318894.1, NM_001318896.2 and 4 more transcripts); c.-48C>T (NM_001318897.2, NM_001318898.2); c.-327C>T (NM_001318899.2).
Identifiers: ClinVar variation 48320 (VCV000048320.15), dbSNP rs11537578, ClinGen allele CA143166.
Genomic context (GRCh38, chr2:105,386,397, plus strand): 5'-CCCGCAGAGGCCCGCAGCAGGTACCTTGCAGTCACAGCCGATGGGCTTCCCACACTCCTC[G>A]CAGGTGTTGGCGAACAGGGTCTCAAAGCACACCACGCAGTAGGGGCTCTCCTCCCGCAGG-3'
Protein context (NP_001305824.1, residues 30-50): VCFETLFANT[Cys40=]EECGKPIGCD

ClinVar aggregate classification (germline): Benign. Review status: criteria provided, multiple submitters, no conflicts (2 of 4 stars). 2 submissions from 2 submitters: Benign (2). Last evaluated 2026-02-02.

Conditions:
Primary dilated cardiomyopathy (DCM). Also called: Dilated Cardiomyopathy. Identifiers: Orphanet 217604, MedGen C0007193, MeSH D002311, MONDO:0005021, HP:0001644. Inheritance: Various modes of inheritance.

Allele frequency attached by ClinVar (database versions not stated): gnomAD exomes 0.00111 and 0.00287; 1000 Genomes Project 30x 0.01218; TOPMed 0.01262; ESP Exome Variant Server 0.01284; ExAC 0.00346; gnomAD 0.01114 and 0.01197; 1000 Genomes Project 0.01158.
gnomAD v4.1: 3,342 of 1,614,124 alleles (0.21%); highest among the groups gnomAD compares: African/African-American, 3.9%; 67 homozygotes.

Submissions (25):

Labcorp Genetics (formerly Invitae), Labcorp
Classification: Benign for Primary dilated cardiomyopathy. Last evaluated: 2026-02-02. Review status: criteria provided, single submitter. Criteria: Invitae Variant Classification Sherloc (09022015). Collection method: clinical testing. Allele origin: germline.

Laboratory for Molecular Medicine, Mass General Brigham Personalized Medicine
Classification: Benign. Last evaluated: 2012-05-17. Review status: criteria provided, single submitter. Criteria: LMM Criteria. Collection method: clinical testing. Allele origin: germline. Observed: 24 variant alleles.
Comment: Cys40Cys in exon 2 of FHL2: This variant is not expected to have clinical signif icance as it does not lead to an amino acid change and has been observed in 3.8% (142/3738) of African American chromosomes from a broad population by the NHLBI Exome Sequencing Project.

Dr. Peter K. Rogan Lab, Western University
No classification provided (evidence only). Condition: Clear cell carcinoma of kidney. Review status: no classification provided. Collection method: in vitro. Allele origin: not applicable. Functional consequence: retained intron. Not counted in ClinVar's aggregate classification.

Dr. Peter K. Rogan Lab, Western University
No classification provided (evidence only). Condition: Clear cell carcinoma of kidney. Review status: no classification provided. Collection method: in vitro. Allele origin: not applicable. Functional consequence: retained intron. Not counted in ClinVar's aggregate classification.

Dr. Peter K. Rogan Lab, Western University
No classification provided (evidence only). Condition: Clear cell carcinoma of kidney. Review status: no classification provided. Collection method: in vitro. Allele origin: not applicable. Functional consequence: retained intron. Not counted in ClinVar's aggregate classification.

Dr. Peter K. Rogan Lab, Western University
No classification provided (evidence only). Condition: Clear cell carcinoma of kidney. Review status: no classification provided. Collection method: in vitro. Allele origin: not applicable. Functional consequence: retained intron. Not counted in ClinVar's aggregate classification.

Dr. Peter K. Rogan Lab, Western University
No classification provided (evidence only). Condition: Clear cell carcinoma of kidney. Review status: no classification provided. Collection method: in vitro. Allele origin: not applicable. Functional consequence: retained intron. Not counted in ClinVar's aggregate classification.

Dr. Peter K. Rogan Lab, Western University
No classification provided (evidence only). Condition: Clear cell carcinoma of kidney. Review status: no classification provided. Collection method: in vitro. Allele origin: not applicable. Functional consequence: retained intron. Not counted in ClinVar's aggregate classification.

Dr. Peter K. Rogan Lab, Western University
No classification provided (evidence only). Condition: Lung cancer. Review status: no classification provided. Collection method: in vitro. Allele origin: not applicable. Functional consequence: retained intron. Not counted in ClinVar's aggregate classification.

Dr. Peter K. Rogan Lab, Western University
No classification provided (evidence only). Condition: Lung cancer. Review status: no classification provided. Collection method: in vitro. Allele origin: not applicable. Functional consequence: retained intron. Not counted in ClinVar's aggregate classification.

Dr. Peter K. Rogan Lab, Western University
No classification provided (evidence only). Condition: Lung cancer. Review status: no classification provided. Collection method: in vitro. Allele origin: not applicable. Functional consequence: retained intron. Not counted in ClinVar's aggregate classification.

Dr. Peter K. Rogan Lab, Western University
No classification provided (evidence only). Condition: Thyroid cancer, nonmedullary, 1. Review status: no classification provided. Collection method: in vitro. Allele origin: not applicable. Functional consequence: retained intron. Not counted in ClinVar's aggregate classification.

Dr. Peter K. Rogan Lab, Western University
No classification provided (evidence only). Condition: Uterine corpus endometrial carcinoma. Review status: no classification provided. Collection method: in vitro. Allele origin: not applicable. Functional consequence: retained intron. Not counted in ClinVar's aggregate classification.

Dr. Peter K. Rogan Lab, Western University
No classification provided (evidence only). Condition: Uterine corpus endometrial carcinoma. Review status: no classification provided. Collection method: in vitro. Allele origin: not applicable. Functional consequence: retained intron. Not counted in ClinVar's aggregate classification.

Dr. Peter K. Rogan Lab, Western University
No classification provided (evidence only). Condition: Uterine corpus endometrial carcinoma. Review status: no classification provided. Collection method: in vitro. Allele origin: not applicable. Functional consequence: retained intron. Not counted in ClinVar's aggregate classification.

Dr. Peter K. Rogan Lab, Western University
No classification provided (evidence only). Condition: Uterine corpus endometrial carcinoma. Review status: no classification provided. Collection method: in vitro. Allele origin: not applicable. Functional consequence: retained intron. Not counted in ClinVar's aggregate classification.

Dr. Peter K. Rogan Lab, Western University
No classification provided (evidence only). Condition: Uterine corpus endometrial carcinoma. Review status: no classification provided. Collection method: in vitro. Allele origin: not applicable. Functional consequence: retained intron. Not counted in ClinVar's aggregate classification.

Dr. Peter K. Rogan Lab, Western University
No classification provided (evidence only). Condition: Uterine corpus endometrial carcinoma. Review status: no classification provided. Collection method: in vitro. Allele origin: not applicable. Functional consequence: retained intron. Not counted in ClinVar's aggregate classification.

Dr. Peter K. Rogan Lab, Western University
No classification provided (evidence only). Condition: Cervical cancer. Review status: no classification provided. Collection method: in vitro. Allele origin: not applicable. Functional consequence: retained intron. Not counted in ClinVar's aggregate classification.

Dr. Peter K. Rogan Lab, Western University
No classification provided (evidence only). Condition: Hepatocellular carcinoma. Review status: no classification provided. Collection method: in vitro. Allele origin: not applicable. Functional consequence: retained intron. Not counted in ClinVar's aggregate classification.

Dr. Peter K. Rogan Lab, Western University
No classification provided (evidence only). Condition: Ovarian serous cystadenocarcinoma. Review status: no classification provided. Collection method: in vitro. Allele origin: not applicable. Functional consequence: retained intron. Not counted in ClinVar's aggregate classification.

Dr. Peter K. Rogan Lab, Western University
No classification provided (evidence only). Condition: Ovarian serous cystadenocarcinoma. Review status: no classification provided. Collection method: in vitro. Allele origin: not applicable. Functional consequence: retained intron. Not counted in ClinVar's aggregate classification.

Dr. Peter K. Rogan Lab, Western University
No classification provided (evidence only). Condition: Ovarian serous cystadenocarcinoma. Review status: no classification provided. Collection method: in vitro. Allele origin: not applicable. Functional consequence: retained intron. Not counted in ClinVar's aggregate classification.

Dr. Peter K. Rogan Lab, Western University
No classification provided (evidence only). Condition: Ovarian serous cystadenocarcinoma. Review status: no classification provided. Collection method: in vitro. Allele origin: not applicable. Functional consequence: retained intron. Not counted in ClinVar's aggregate classification.

Dr. Peter K. Rogan Lab, Western University
No classification provided (evidence only). Condition: Uterine carcinosarcoma. Review status: no classification provided. Collection method: in vitro. Allele origin: not applicable. Functional consequence: retained intron. Not counted in ClinVar's aggregate classification.